The following is an entry in ClinVar:

ClinVar aggregate classification (germline): Uncertain significance (1 of 4 stars; one submission).

Conditions:
Inborn genetic diseases. Identifiers: MedGen C0950123, MeSH D030342.

Submission:

Ambry Genetics
Classification: Uncertain significance for Inborn genetic diseases. Last evaluated: 2026-03-29. Review status: criteria provided, single submitter. Criteria: Ambry Variant Classification Scheme 2023. Collection method: clinical testing. Allele origin: germline.
Comment: The p.M886T variant (also known as c.2657T>C), located in coding exon 1 of the SAMD9 gene, results from a T to C substitution at nucleotide position 2657. The methionine at codon 886 is replaced by threonine, an amino acid with similar properties. This amino acid position is conserved. In addition, the in silico prediction for this alteration is inconclusive. Based on the available evidence, the clinical significance of this variant remains unclear.

NM_017654.4(SAMD9):c.2657T>C (p.Met886Thr)

Gene: SAMD9 (sterile alpha motif domain containing 9; minus strand). Cytogenetic location: 7q21.2.
Variant type: single nucleotide variant.
Coding change: c.2657T>C on transcript NM_017654.4 (MANE Select); coding-DNA position 2657, T replaced by C.
Protein change: p.Met886Thr; replaces methionine 886 with threonine.
Molecular consequence: missense variant.
Genome position (GRCh38, 1-based): chr7:93,103,441, A>G on the plus strand (T>C on the coding strand, the complement: SAMD9 is on the minus strand). VCF-style: chr7-93103441-A-G. GRCh37 (hg19) VCF-style: chr7-92732754-A-G.
Other names: c.2657T>C, p.Met886Thr (NM_001193307.2); short protein forms M886T.
Identifiers: ClinVar variation 4863781 (VCV004863781.1).